The following is an entry in ClinVar:

NM_203447.4(DOCK8):c.3756C>T (p.Ala1252=)

Gene: DOCK8 (dedicator of cytokinesis 8; plus strand). Cytogenetic location: 9p24.3.
Variant type: single nucleotide variant.
Coding change: c.3756C>T on transcript NM_203447.4 (MANE Select); coding-DNA position 3756, C replaced by T.
Protein change: p.Ala1252=; no amino-acid change (alanine 1252 retained).
Molecular consequence: synonymous variant.
Genome position (GRCh38, 1-based): chr9:418,123, C>T. VCF-style: chr9-418123-C-T. GRCh37 (hg19) VCF-style: chr9-418123-C-T.
Other names: c.3456C>T, p.Ala1152= (NM_001190458.2); c.3552C>T, p.Ala1184= (NM_001193536.2).
Identifiers: ClinVar variation 536606 (VCV000536606.11), dbSNP rs150935084, ClinGen allele CA4958817.

ClinVar aggregate classification (germline): Likely benign. Review status: criteria provided, single submitter (1 of 4 stars). 2 submissions from 2 submitters: Likely benign (1). 1 of the submissions does not count toward it. Last evaluated 2026-01-14.

Conditions:
DOCK8-related disorder. Also called: DOCK8-related condition.
Combined immunodeficiency due to DOCK8 deficiency (HIES2). Also called: HIES autosomal recessive; HYPER-IgE RECURRENT INFECTION SYNDROME 2, AUTOSOMAL RECESSIVE; Hyper-IgE recurrent infection syndrome, autosomal recessive; HYPER-IgE SYNDROME 2, AUTOSOMAL RECESSIVE, WITH RECURRENT INFECTIONS; DOCK8 Deficiency. Identifiers: Orphanet 217390, MedGen C4722305, MONDO:0009478, OMIM 243700.

Allele frequency attached by ClinVar (database versions not stated): ExAC 0.00009; gnomAD exomes 0.00010; gnomAD 0.00011 and 0.00012; TOPMed 0.00014; ESP Exome Variant Server 0.00023.
gnomAD v4.1: 227 of 1,614,168 alleles (0.014%); highest among the groups gnomAD compares: African/African-American, 0.019%; no homozygotes.

Submissions (2):

Labcorp Genetics (formerly Invitae), Labcorp
Classification: Likely benign for Combined immunodeficiency due to DOCK8 deficiency. Last evaluated: 2026-01-14. Review status: criteria provided, single submitter. Criteria: Invitae Variant Classification Sherloc (09022015). Collection method: clinical testing. Allele origin: germline.

PreventionGenetics, part of Exact Sciences
Classification: Likely benign for DOCK8-related condition. Last evaluated: 2019-04-26. Review status: no assertion criteria provided. Collection method: clinical testing. Allele origin: germline. Not counted in ClinVar's aggregate classification.
Comment: This variant is classified as likely benign based on ACMG/AMP sequence variant interpretation guidelines (Richards et al. 2015 PMID: 25741868, with internal and published modifications).